The following is an entry in ClinVar:

NM_032043.3(BRIP1):c.2906-7T>C

Gene: BRIP1 (BRCA1 interacting DNA helicase 1; minus strand). Cytogenetic location: 17q23.2.
Variant type: single nucleotide variant.
Coding change: c.2906-7T>C on transcript NM_032043.3 (MANE Select); 7 bases into the intron before coding-DNA position 2906, T replaced by C.
Molecular consequence: intron variant.
Genome position (GRCh38, 1-based): chr17:61,684,147, A>G on the plus strand (T>C on the coding strand, the complement: BRIP1 is on the minus strand). VCF-style: chr17-61684147-A-G. GRCh37 (hg19) VCF-style: chr17-59761508-A-G.
Identifiers: ClinVar variation 705312 (VCV000705312.30), dbSNP rs1237575383, ClinGen allele CA773770654.

ClinVar aggregate classification (germline): Conflicting classifications of pathogenicity. Review status: criteria provided, conflicting classifications (1 of 4 stars). 6 submissions from 6 submitters: Uncertain significance (2); Likely benign (4). Last evaluated 2025-08-03.

Conditions:
Familial cancer of breast. Also called: BREAST CANCER, FAMILIAL; Hereditary breast cancer; hereditary breast carcinoma. Identifiers: Orphanet 227535, MedGen C0346153, MONDO:0016419, OMIM 114480. Disease mechanism: loss of function.
Hereditary cancer-predisposing syndrome. Also called: Neoplastic Syndromes, Hereditary; Tumor predisposition; Hereditary Cancer Syndrome; Hereditary neoplastic syndrome. Identifiers: Orphanet 140162, MedGen C0027672, MeSH D009386, MONDO:0015356.
Breast and/or ovarian cancer. Identifiers: MedGen CN221562.
Fanconi anemia complementation group J. Also called: BRIP1-Related Fanconi Anemia. Identifiers: Orphanet 84, MedGen C1836860, MONDO:0012187, OMIM 609054.

Allele frequency attached by ClinVar (database versions not stated): TOPMed below 0.00001; gnomAD exomes 0.00002.
gnomAD v4.1: 22 of 1,612,700 alleles (0.0014%); highest among the groups gnomAD compares: Non-Finnish European, 0.0019%; no homozygotes.

Submissions (6):

Labcorp Genetics (formerly Invitae), Labcorp
Classification: Likely benign for Familial cancer of breast; Fanconi anemia complementation group J. Last evaluated: 2025-08-03. Review status: criteria provided, single submitter. Criteria: Invitae Variant Classification Sherloc (09022015). Collection method: clinical testing. Allele origin: germline.

CeGaT Center for Human Genetics Tuebingen
Classification: Likely benign. Last evaluated: 2025-01-01. Review status: criteria provided, single submitter. Criteria: CeGaT Center For Human Genetics Tuebingen Variant Classification Criteria Version 2. Collection method: clinical testing. Allele origin: germline. Affected: yes. Observed: 1 variant allele.
Comment: BRIP1: BP4

Myriad Genetics, Inc.
Classification: Likely benign for Familial cancer of breast. Last evaluated: 2024-09-09. Review status: criteria provided, single submitter. Criteria: Myriad Autosomal Dominant, Autosomal Recessive and X-Linked Classification Criteria (2023). Collection method: clinical testing. Allele origin: unknown.
Comment: This variant is considered likely benign. This variant is intronic and is not expected to impact mRNA splicing.

Sema4
Classification: Uncertain significance for Hereditary cancer-predisposing syndrome. Last evaluated: 2021-07-07. Review status: criteria provided, single submitter. Criteria: Sema4 Curation Guidelines. Collection method: curation. Allele origin: germline.
Comment: The BRIP1 c.2906-7T>C variant has not been reported in the literature to our knowledge. It was not observed in the large and broad cohorts of the Genome Aggregation Database (PMID: 32461654). The variant has been reported in ClinVar (Variation ID 705312). In silico tools suggest the variant not to have an impact on splicing, though these predictions have not been confirmed by functional studies. The evidence is insufficient to meet ACMG/AMP criteria for classifying the variant as benign or pathogenic. Thus, the clinical significance of this variant is currently uncertain.

Color Diagnostics, LLC DBA Color Health
Classification: Likely benign for Hereditary cancer-predisposing syndrome. Last evaluated: 2021-05-05. Review status: criteria provided, single submitter. Criteria: ACMG Guidelines, 2015. Collection method: clinical testing. Allele origin: germline.

CHEO Genetics Diagnostic Laboratory, Children's Hospital of Eastern Ontario
Classification: Uncertain significance for Breast and/or ovarian cancer. Last evaluated: 2020-06-17. Review status: criteria provided, single submitter. Criteria: ACMG Guidelines, 2015. Collection method: clinical testing. Allele origin: germline.